The following is an entry in ClinVar:

NM_001384732.1(CPLANE1):c.9310+6A>T

Gene: CPLANE1 (ciliogenesis and planar polarity effector complex subunit 1; minus strand). Cytogenetic location: 5p13.2.
Variant type: single nucleotide variant.
Coding change: c.9310+6A>T on transcript NM_001384732.1 (MANE Select); 6 bases into the intron after coding-DNA position 9310, A replaced by T.
Molecular consequence: intron variant.
Genome position (GRCh38, 1-based): chr5:37,120,210, T>A on the plus strand (A>T on the coding strand, the complement: CPLANE1 is on the minus strand). VCF-style: chr5-37120210-T-A. GRCh37 (hg19) VCF-style: chr5-37120312-T-A.
Other names: c.9148+6A>T (NM_023073.4).
Identifiers: ClinVar variation 1284678 (VCV001284678.5), dbSNP rs1347208910, ClinGen allele CA559020718.

ClinVar aggregate classification (germline): Conflicting classifications of pathogenicity. Review status: criteria provided, conflicting classifications (1 of 4 stars). 4 submissions from 4 submitters: Uncertain significance (1); Likely benign (1). 2 of the submissions do not count toward it. Last evaluated 2023-12-15.

Allele frequency attached by ClinVar (database versions not stated): gnomAD 0.00001; TOPMed 0.00001.
gnomAD v4.1: 19 of 1,598,190 alleles (0.0012%); highest among the groups gnomAD compares: Middle Eastern, 0.033%; no homozygotes.

Submissions (4):

Women's Health and Genetics/Laboratory Corporation of America, LabCorp
Classification: Uncertain significance. Last evaluated: 2023-12-15. Review status: criteria provided, single submitter. Criteria: LabCorp Variant Classification Summary - May 2015. Collection method: clinical testing. Allele origin: germline.
Comment: Variant summary: CPLANE1 c.9148+6A>T alters a non-conserved nucleotide located close to a canonical splice site and therefore could affect mRNA splicing, leading to a significantly altered protein sequence. Consensus agreement among computation tools predict no significant impact on normal splicing. However, these predictions have yet to be confirmed by functional studies. The variant was absent in 266944 control chromosomes. The available data on variant occurrences in the general population are insufficient to allow any conclusion about variant significance. To our knowledge, no occurrence of c.9148+6A>T in individuals affected with Joubert Syndrome And Related Disorders and no experimental evidence demonstrating its impact on protein function have been reported. No submitters have cited clinical-significance assessments for this variant to ClinVar after 2014. Based on the evidence outlined above, the variant was classified as uncertain significance.

Blueprint Genetics
Classification: Likely benign. Last evaluated: 2019-10-17. Review status: criteria provided, single submitter. Criteria: ACMG Guidelines, 2015. Collection method: clinical testing. Allele origin: germline.

Clinical Genetics DNA and cytogenetics Diagnostics Lab, Erasmus MC, Erasmus Medical Center
Classification: Likely benign. Review status: no assertion criteria provided. Collection method: clinical testing. Allele origin: germline. Affected: yes. Study: VKGL Data-share Consensus. Not counted in ClinVar's aggregate classification.

Clinical Genetics, Academic Medical Center
Classification: Likely benign. Review status: no assertion criteria provided. Collection method: clinical testing. Allele origin: germline. Affected: yes. Study: VKGL Data-share Consensus. Not counted in ClinVar's aggregate classification.